The following is an entry in ClinVar:

NM_001844.5(COL2A1):c.1024-2A>C

Gene: COL2A1 (collagen type II alpha 1 chain; minus strand). Cytogenetic location: 12q13.11.
Variant type: single nucleotide variant.
Coding change: c.1024-2A>C on transcript NM_001844.5 (MANE Select); the canonical splice acceptor site of the intron before coding-DNA position 1024, A replaced by C.
Molecular consequence: splice acceptor variant.
Genome position (GRCh38, 1-based): chr12:47,989,807, T>G on the plus strand (A>C on the coding strand, the complement: COL2A1 is on the minus strand). VCF-style: chr12-47989807-T-G. GRCh37 (hg19) VCF-style: chr12-48383590-T-G.
Other names: c.817-2A>C (NM_033150.3).
Identifiers: ClinVar variation 4072433 (VCV004072433.2).

ClinVar aggregate classification (germline): Pathogenic. Review status: criteria provided, multiple submitters, no conflicts (2 of 4 stars). 2 submissions from 2 submitters: Pathogenic (2). Last evaluated 2025-02-03.

Conditions:
COL2A1-related disorder. Also called: COL2A1-related condition; COL2A1-related disorders.

Submissions (2):

GeneDx
Classification: Pathogenic. Last evaluated: 2025-02-03. Review status: criteria provided, single submitter. Criteria: GeneDx Variant Classification Process June 2021. Collection method: clinical testing. Allele origin: germline. Affected: yes.
Comment: Has been observed in a patient with clinical features of a COL2A1-skeletal dysplasia (PMID: 21250907); Canonical splice site variant predicted to result in an in-frame loss of the adjacent exon in a gene for which loss of function is a known mechanism of disease; Not observed at significant frequency in large population cohorts (gnomAD); This variant is associated with the following publications: (PMID: 25525159, 21250907)

3billion
Classification: Pathogenic for COL2A1-related disorder. Last evaluated: 2024-08-30. Review status: criteria provided, single submitter. Criteria: ACMG Guidelines, 2015. Collection method: clinical testing. Allele origin: germline. Affected: yes.
Comment: The variant is not observed in the gnomAD v4.0.0 dataset. Predicted Consequence/Location: Canonical splice site: predicted to alter splicing and result in a loss or disruption of normal protein function. Multiple pathogenic loss-of-function variants are reported downstream of the variant. In silico tools predict the variant to alter splicing and produce an abnormal transcript [SpliceAI: 1.00 (spliceogenicity >=0.2, non-spliceogenicity <0.1)]. The variant has been reported to be associated with COL2A1-related disorder (PMID: 21250907). Therefore, this variant is classified as Pathogenic according to the recommendation of ACMG/AMP guideline.

Literature cited by the submitters: PubMed 21250907 (cited by 3billion).